The following is an entry in ClinVar:

NM_001286.5(CLCN6):c.698G>A (p.Arg233Gln)

Gene: CLCN6 (Cl-/H+ antiporter 6; plus strand). Cytogenetic location: 1p36.22.
Variant type: single nucleotide variant.
Coding change: c.698G>A on transcript NM_001286.5 (MANE Select); coding-DNA position 698, G replaced by A.
Protein change: p.Arg233Gln; replaces arginine 233 with glutamine.
Molecular consequence: missense variant. On other transcripts: non-coding transcript variant (1).
Genome position (GRCh38, 1-based): chr1:11,826,205, G>A. VCF-style: chr1-11826205-G-A. GRCh37 (hg19) VCF-style: chr1-11886262-G-A.
Other names: c.632G>A, p.Arg211Gln (NM_001256959.2); short protein forms R233Q, R211Q.
Identifiers: ClinVar variation 3699386 (VCV003699386.2).
Genomic context (GRCh38, chr1:11,826,205, plus strand): 5'-TCTTGCTTTAGTTTCAGAGCATCTCCTTACGGAAGATCCAGTTTAACTTCCCCTATTTCC[G>A]AAGCGACAGGTATGGAAAGGTTAGAAATTGGTTTCTTTTTTGGAAACAACATGTTCATGC-3'
Protein context (NP_001277.2, residues 223-243): RKIQFNFPYF[Arg233Gln]SDRDKRDFVS

ClinVar aggregate classification (germline): Uncertain significance (1 of 4 stars; one submission).

gnomAD v4.1: 15 of 1,612,898 alleles (0.00093%); highest among the groups gnomAD compares: African/African-American, 0.0053%; no homozygotes.

Submission:

Labcorp Genetics (formerly Invitae), Labcorp
Classification: Uncertain significance. Last evaluated: 2026-01-28. Review status: criteria provided, single submitter. Criteria: Invitae Variant Classification Sherloc (09022015). Collection method: clinical testing. Allele origin: germline.
Comment: This sequence change replaces arginine, which is basic and polar, with glutamine, which is neutral and polar, at codon 233 of the CLCN6 protein (p.Arg233Gln). This variant is not present in population databases (gnomAD no frequency). This variant has not been reported in the literature in individuals affected with CLCN6-related conditions. ClinVar contains an entry for this variant (Variation ID: 3699386). An algorithm developed to predict the effect of missense changes on protein structure and function (PolyPhen-2) suggests that this variant is likely to be disruptive. In summary, the available evidence is currently insufficient to determine the role of this variant in disease. Therefore, it has been classified as a Variant of Uncertain Significance.